The following is an entry in ClinVar:

NM_000169.3(GLA):c.744del (p.Phe248fs)

Genes: GLA (galactosidase alpha; minus strand), RPL36A-HNRNPH2 (RPL36A-HNRNPH2 readthrough; plus strand). Cytogenetic location: Xq22.1.
Variant type: Deletion.
Coding change: c.744del on transcript NM_000169.3 (MANE Select); coding-DNA position 744, one base deleted (T; older notation c.744delT).
Protein change: p.Phe248fs; shifts the reading frame from phenylalanine 248.
Molecular consequence: frameshift variant. On other transcripts: non-coding transcript variant (3), intron variant (2).
Genome position (GRCh38, 1-based): chrX:101,398,842, A deleted on the plus strand (T on the coding strand, the reverse complement: GLA is on the minus strand); the first of 4 consecutive A bases (chrX:101,398,842-101,398,845); deleting any one gives the same sequence. VCF-style (leftmost placement, unchanged base first): chrX-101398841-TA-T. GRCh37 (hg19) VCF-style: chrX-100653829-TA-T.
Other names: c.867del, p.Phe289fs (NM_001406747.1); c.744del, p.Phe248fs (NM_001406748.1); c.300+3388del (NM_001199973.2); c.177+7023del (NM_001199974.2); short protein forms F248fs, F289fs.
Identifiers: ClinVar variation 4974920 (VCV004974920.1).

ClinVar aggregate classification (germline): Pathogenic (1 of 4 stars; one submission).

Conditions:
Fabry disease. Also called: Fabry's disease; ALPHA-GALACTOSIDASE A DEFICIENCY; ANDERSON-FABRY DISEASE; CERAMIDE TRIHEXOSIDASE DEFICIENCY; GLA DEFICIENCY; HEREDITARY DYSTOPIC LIPIDOSIS. Identifiers: Orphanet 324, MedGen C0002986, MONDO:0010526, OMIM 301500, HP:0001071. Disease mechanism: Fabry disease is due to inactivating mutations in the X-linked GLA gene resulting in deficiency of the enzyme Alpha Galactosidase-A., loss of function.

Submission:

Genomenon, Inc
Classification: Pathogenic for Fabry disease. Last evaluated: 2026-09-08. Review status: criteria provided, single submitter. Criteria: Genomenon Sequence Variant Interpretation Standards - Updated. Collection method: curation. Allele origin: germline. Affected: yes.
Comment: GLA p.Phe248LeufsTer21 (c.744del) is a frameshift variant that is predicted to introduce a premature termination codon and result in a truncated or absent protein product. This variant has been observed in at least one proband with clinical features consistent with Fabry disease (PMID:16720462). It is absent or not present at a significant frequency in gnomAD. In conclusion, we classify GLA p.Phe248LeufsTer21 (c.744del) as a pathogenic variant.

Literature cited by the submitters: PubMed 16720462.